The following is an entry in ClinVar:

NM_015021.3(ZNF292):c.7441A>G (p.Met2481Val)

Gene: ZNF292 (zinc finger protein 292; plus strand). Cytogenetic location: 6q14.3.
Variant type: single nucleotide variant.
Coding change: c.7441A>G on transcript NM_015021.3 (MANE Select); coding-DNA position 7441, A replaced by G.
Protein change: p.Met2481Val; replaces methionine 2481 with valine.
Molecular consequence: missense variant.
Genome position (GRCh38, 1-based): chr6:87,261,070, A>G. VCF-style: chr6-87261070-A-G. GRCh37 (hg19) VCF-style: chr6-87970788-A-G.
Other names: c.7021A>G, p.Met2341Val (NM_001351444.2); short protein forms M2341V, M2481V.
Identifiers: ClinVar variation 3901810 (VCV003901810.1).
Genomic context (GRCh38, chr6:87,261,070, plus strand): 5'-AATTCAAGAACAACAGCTACAGTTTCACAAAAGGAAGTTGAAAAAAATGAAAAAGATGAA[A>G]TGGATGAACTAACAGAATTGTTTATTACAAAATTAATAAATGAAGATAGCACAAGTGTAG-3'
Protein context (NP_055836.1, residues 2471-2491): KEVEKNEKDE[Met2481Val]DELTELFITK

ClinVar aggregate classification (germline): Uncertain significance. Review status: criteria provided, multiple submitters, no conflicts (2 of 4 stars). 2 submissions from 2 submitters: Uncertain significance (2). Last evaluated 2025-11-17.

Conditions:
Intellectual developmental disorder, autosomal dominant 64. Also called: MENTAL RETARDATION, AUTOSOMAL DOMINANT 64. Identifiers: MedGen C5543067, MONDO:0030934, OMIM 619188.

gnomAD v4.1: 3 of 1,607,458 alleles (0.00019%); highest among the groups gnomAD compares: Non-Finnish European, 0.00025%; no homozygotes.

Submissions (2):

Foundation for Research in Genetics and Endocrinology, FRIGE's Institute of Human Genetics
Classification: Uncertain significance for Intellectual developmental disorder, autosomal dominant 64. Last evaluated: 2025-11-17. Review status: criteria provided, single submitter. Criteria: ACMG Guidelines, 2015. Collection method: clinical testing. Allele origin: germline. Inheritance: Autosomal dominant inheritance. Affected: yes. Observed: 1 heterozygote.
Comment: A heterozygous missense variant in exon 8 of the ZNF292 gene that results in the amino acid substitution of Valine for Methionine at codon 2481 (p.Met2481Val) was detected. The p.Met2481Val variant has not been reported in the 1000 genomes, gnomAD (v3.1), gnomAD (v2.1) and topmed databases. The reference codon is conserved across mammals. In summary, the variant meets our criteria to be classified as variant of uncertain significance.

GeneDx
Classification: Uncertain significance. Last evaluated: 2024-12-05. Review status: criteria provided, single submitter. Criteria: GeneDx Variant Classification Process June 2021. Collection method: clinical testing. Allele origin: germline. Affected: yes.
Comment: Not observed at significant frequency in large population cohorts (gnomAD); In silico analysis indicates that this missense variant does not alter protein structure/function; Has not been previously published as pathogenic or benign to our knowledge